The following is an entry in ClinVar:

ClinVar aggregate classification (germline): Pathogenic. Review status: criteria provided, multiple submitters, no conflicts (2 of 4 stars). 10 submissions from 10 submitters: Pathogenic (10). Last evaluated 2025-05-13.

Conditions:
Hereditary nonpolyposis colon cancer (HNPCC). Also called: Hereditary nonpolyposis colorectal cancer; Familial nonpolyposis colon cancer; Hereditary Nonpolyposis Colorectal Cancer Syndrome. Identifiers: Orphanet 443909, MedGen C1333990, MONDO:0018630. Disease mechanism: loss of function.
Lynch syndrome 5 (LYNCH5). Also called: Hereditary non-polyposis colorectal cancer, type 5; Colorectal cancer, hereditary nonpolyposis, type 5. Identifiers: Orphanet 144, MedGen C1833477, MONDO:0013710, OMIM 614350. Disease mechanism: loss of function.
MSH6-related disorder. Also called: MSH6-Related disorders; MSH6-related condition.
Endometrial carcinoma. Also called: Endometrial carcinoma, somatic. Identifiers: MedGen C0476089, MONDO:0002447, OMIM 608089, HP:0012114.
Hereditary nonpolyposis colorectal neoplasms. Identifiers: MedGen C0009405, MeSH D003123.
Hereditary cancer-predisposing syndrome. Also called: Tumor predisposition; Hereditary Cancer Syndrome; Hereditary neoplastic syndrome; Neoplastic Syndromes, Hereditary. Identifiers: Orphanet 140162, MedGen C0027672, MeSH D009386, MONDO:0015356.

Submissions (10):

Molecular Pathology, Peter Maccallum Cancer Centre
Classification: Pathogenic for Lynch syndrome 5. Last evaluated: 2025-05-13. Review status: criteria provided, single submitter. Criteria: ACMG Guidelines, 2015. Collection method: clinical testing. Allele origin: germline. Inheritance: Autosomal dominant inheritance.

Ambry Genetics
Classification: Pathogenic for Hereditary cancer-predisposing syndrome. Last evaluated: 2025-03-21. Review status: criteria provided, single submitter. Criteria: Ambry Variant Classification Scheme 2023. Collection method: clinical testing. Allele origin: germline.
Comment: The c.3477delC pathogenic mutation, located in coding exon 6 of the MSH6 gene, results from a deletion of one nucleotide at nucleotide position 3477, causing a translational frameshift with a predicted immediate stop codon (p.Y1159*). This variant is considered to be rare based on population cohorts in the Genome Aggregation Database (gnomAD). In addition to the clinical data presented in the literature, this alteration is expected to result in loss of function by premature protein truncation or nonsense-mediated mRNA decay. As such, this alteration is interpreted as a disease-causing mutation.

GeneDx
Classification: Pathogenic. Last evaluated: 2025-01-24. Review status: criteria provided, single submitter. Criteria: GeneDx Variant Classification Process June 2021. Collection method: clinical testing. Allele origin: germline. Affected: yes.
Comment: Identified in individuals with Lynch-related cancers in published literature and tumor studies consistent with pathogenic variants in this gene (PMID: 26687385, 22081473); Nonsense variant predicted to result in protein truncation or nonsense mediated decay in a gene for which loss of function is a known mechanism of disease; Not observed at significant frequency in large population cohorts (gnomAD); Truncating variants in this gene are considered pathogenic by a well-established clinical consortium and/or database; This variant is associated with the following publications: (PMID: 22081473, 26687385)

Labcorp Genetics (formerly Invitae), Labcorp
Classification: Pathogenic for Hereditary nonpolyposis colorectal neoplasms. Last evaluated: 2024-12-12. Review status: criteria provided, single submitter. Criteria: Invitae Variant Classification Sherloc (09022015). Collection method: clinical testing. Allele origin: germline.
Comment: This sequence change creates a premature translational stop signal (p.Tyr1159*) in the MSH6 gene. It is expected to result in an absent or disrupted protein product. Loss-of-function variants in MSH6 are known to be pathogenic (PMID: 18269114, 24362816). This variant is not present in population databases (gnomAD no frequency). This premature translational stop signal has been observed in individual(s) with colorectal, endometrial, and pancreatic cancers (PMID: 22081473, 26687385). Invitae Evidence Modeling of clinical and family history, age, sex, and reported ancestry of multiple individuals with this MSH6 variant has been performed. This variant is expected to be pathogenic with a positive predictive value of at least 99%. This is a validated machine learning model that incorporates the clinical features of 1,370,736 individuals referred to our laboratory for MSH6 testing. ClinVar contains an entry for this variant (Variation ID: 428395). For these reasons, this variant has been classified as Pathogenic.

Myriad Genetics, Inc.
Classification: Pathogenic for Lynch syndrome 5. Last evaluated: 2023-08-23. Review status: criteria provided, single submitter. Criteria: Myriad Autosomal Dominant, Autosomal Recessive and X-Linked Classification Criteria (2023). Collection method: clinical testing. Allele origin: unknown.
Comment: This variant is considered pathogenic. This variant creates a termination codon and is predicted to result in premature protein truncation.

Institute of Human Genetics, University of Leipzig Medical Center
Classification: Pathogenic for Endometrial carcinoma. Last evaluated: 2023-04-19. Review status: criteria provided, single submitter. Criteria: ACMG Guidelines, 2015. Collection method: clinical testing. Allele origin: unknown. Affected: yes.
Comment: _x000D_ Criteria applied: PVS1, PS4_MOD, PM2_SUP

Quest Diagnostics Nichols Institute San Juan Capistrano
Classification: Pathogenic. Last evaluated: 2023-02-06. Review status: criteria provided, single submitter. Criteria: Quest Diagnostics criteria. Collection method: clinical testing. Allele origin: unknown.
Comment: This frameshift variant alters the translational reading frame of the MSH6 mRNA and causes the premature termination of MSH6 protein synthesis. It has not been reported in large, multi-ethnic general populations. In the published literature, the variant has been identified in individuals with colorectal cancer (PMID: 22081473 (2012)) and endometrial/pancreatic cancer (PMID: 26687385 (2016)). Based on the available information, this variant is classified as pathogenic.

Blueprint Genetics
Classification: Pathogenic for MSH6-related disorders. Last evaluated: 2022-03-30. Review status: criteria provided, single submitter. Criteria: ACMG Guidelines, 2015. Collection method: clinical testing. Allele origin: germline. Affected: yes. Observed: 1 variant allele.

Color Diagnostics, LLC DBA Color Health
Classification: Pathogenic for Hereditary cancer-predisposing syndrome. Last evaluated: 2020-01-15. Review status: criteria provided, single submitter. Criteria: ACMG Guidelines, 2015. Collection method: clinical testing. Allele origin: germline.
Comment: This variant deletes 1 nucleotide in exon 6 of the MSH6 gene, creating a frameshift and premature translation stop signal. This variant is expected to result in an absent or non-functional protein product. This variant has not been identified in the general population by the Genome Aggregation Database (gnomAD). Loss of MSH6 function is a known mechanism of disease. Based on the available evidence, this variant is classified as Pathogenic.

Women's Health and Genetics/Laboratory Corporation of America, LabCorp
Classification: Pathogenic for Lynch syndrome. Last evaluated: 2019-10-03. Review status: criteria provided, single submitter. Criteria: LabCorp Variant Classification Summary - May 2015. Collection method: clinical testing. Allele origin: germline.
Comment: Variant summary: MSH6 c.3477delC (p.Tyr1159X) results in a premature termination codon, predicted to cause a truncation of the encoded protein or absence of the protein due to nonsense mediated decay, which are commonly known mechanisms for disease. Truncations downstream of this position have been classified as pathogenic by our laboratory (eg. c.3514dupA (p.Arg1172fsX5), c.3991C>T (p.Arg1331X)). The variant was absent in 251396 control chromosomes (gnomAD) but has been reported in the literature in individuals affected with colorectal cancer, endometrium cancer and pancreatic cancer (e.g. vanLier_2012, Yablonski-Peretz_2015). These data indicate that the variant may be associated with disease. To our knowledge, no experimental evidence demonstrating an impact on protein function has been reported. Two other variants with a different nucleotide change (c.3477C>A and c.3477C>G) resulting in same truncation (p.Tyr1159X) have been reported as pathogenic/likely pathogenic by us and others in ClinVar. Two ClinVar submitters (evaluation after 2014) cite this variant as pathogenic. Based on the evidence outlined above, the variant was classified as pathogenic.

Literature cited by the submitters: PubMed 22081473 (cited by 4 submitters); PubMed 26687385 (cited by 4 submitters); PubMed 18269114 (cited by Labcorp Genetics (formerly Invitae), Labcorp); PubMed 24362816 (cited by Labcorp Genetics (formerly Invitae), Labcorp); PubMed 29946849 (cited by Quest Diagnostics Nichols Institute San Juan Capistrano and Women's Health and Genetics/Laboratory Corporation of America, LabCorp).

NM_000179.3(MSH6):c.3477del (p.Cys1158_Tyr1159insTer)

Gene: MSH6 (mutS homolog 6; plus strand). Cytogenetic location: 2p16.3.
Variant type: Deletion.
Coding change: c.3477del on transcript NM_000179.3 (MANE Select); coding-DNA position 3477, one base deleted (C; older notation c.3477delC).
Protein change: p.Cys1158_Tyr1159insTer.
Molecular consequence: nonsense.
Genome position (GRCh38, 1-based): chr2:47,804,948, C deleted. VCF-style (leftmost placement, unchanged base first): chr2-47804947-AC-A. GRCh37 (hg19) VCF-style: chr2-48032086-AC-A.
Other names: c.3087del, p.Cys1028_Tyr1029insTer (NM_001281492.2); c.2571del, p.Cys856_Tyr857insTer (NM_001281493.2, NM_001281494.2); c.3477delC (NM_000179.2).
Identifiers: ClinVar variation 428395 (VCV000428395.23), dbSNP rs1114167767, ClinGen allele CA645369305.